The following is an entry in ClinVar:

ClinVar aggregate classification (germline): Uncertain significance (1 of 4 stars; one submission).

Conditions:
EGFR-related lung cancer (EGFR). Identifiers: MedGen CN130014.

gnomAD v4.1: 1 of 1,614,242 alleles (0.000062%); highest among the groups gnomAD compares: Non-Finnish European, 0.000085%; no homozygotes.

Submission:

Labcorp Genetics (formerly Invitae), Labcorp
Classification: Uncertain significance for EGFR-related lung cancer. Last evaluated: 2023-11-08. Review status: criteria provided, single submitter. Criteria: Invitae Variant Classification Sherloc (09022015). Collection method: clinical testing. Allele origin: germline.
Comment: This sequence change replaces serine, which is neutral and polar, with phenylalanine, which is neutral and non-polar, at codon 720 of the EGFR protein (p.Ser720Phe). This variant is not present in population databases (gnomAD no frequency). This variant has not been reported in the literature in individuals affected with EGFR-related conditions. Advanced modeling of protein sequence and biophysical properties (such as structural, functional, and spatial information, amino acid conservation, physicochemical variation, residue mobility, and thermodynamic stability) performed at Invitae indicates that this missense variant is not expected to disrupt EGFR protein function with a negative predictive value of 80%. In summary, the available evidence is currently insufficient to determine the role of this variant in disease. Therefore, it has been classified as a Variant of Uncertain Significance.

NM_005228.5(EGFR):c.2159C>T (p.Ser720Phe)

Gene: EGFR (epidermal growth factor receptor; plus strand). Cytogenetic location: 7p11.2.
Variant type: single nucleotide variant.
Coding change: c.2159C>T on transcript NM_005228.5 (MANE Select); coding-DNA position 2159, C replaced by T.
Protein change: p.Ser720Phe; replaces serine 720 with phenylalanine.
Molecular consequence: missense variant.
Genome position (GRCh38, 1-based): chr7:55,174,018, C>T. VCF-style: chr7-55174018-C-T. GRCh37 (hg19) VCF-style: chr7-55241711-C-T.
Other names: c.2024C>T, p.Ser675Phe (NM_001346897.2, NM_001346899.2); c.2159C>T, p.Ser720Phe (NM_001346898.2); c.2000C>T, p.Ser667Phe (NM_001346900.2); c.1358C>T, p.Ser453Phe (NM_001346941.2); short protein forms S720F, S453F, S667F, S675F.
Identifiers: ClinVar variation 2802797 (VCV002802797.3), dbSNP rs772799315, ClinGen allele CA367583761.
Genomic context (GRCh38, chr7:55,174,018, plus strand): 5'-ACCAAGCTCTCTTGAGGATCTTGAAGGAAACTGAATTCAAAAAGATCAAAGTGCTGGGCT[C>T]CGGTGCGTTCGGCACGGTGTATAAGGTAAGGTCCCTGGCACAGGCCTCTGGGCTGGGCCG-3'
Protein context (NP_005219.2, residues 710-730): TEFKKIKVLG[Ser720Phe]GAFGTVYKGL